The following is an entry in ClinVar:

NM_001378964.1(CDON):c.3214G>A (p.Gly1072Arg)

Gene: CDON (cell adhesion associated, oncogene regulated; minus strand). Cytogenetic location: 11q24.2.
Variant type: single nucleotide variant.
Coding change: c.3214G>A on transcript NM_001378964.1 (MANE Select); coding-DNA position 3214, G replaced by A.
Protein change: p.Gly1072Arg; replaces glycine 1072 with arginine.
Molecular consequence: missense variant.
Genome position (GRCh38, 1-based): chr11:125,981,111, C>T on the plus strand (G>A on the coding strand, the complement: CDON is on the minus strand). VCF-style: chr11-125981111-C-T. GRCh37 (hg19) VCF-style: chr11-125851006-C-T.
Other names: c.3214G>A, p.Gly1072Arg (NM_001243597.3, NM_016952.6); short protein forms G1072R.
Identifiers: ClinVar variation 2634812 (VCV002634812.1), dbSNP rs887390814, ClinGen allele CA230514711.

ClinVar aggregate classification (germline): Uncertain significance (1 of 4 stars; one submission).

Conditions:
CDON-related disorder. Also called: CDON-related condition.

Allele frequency attached by ClinVar (database versions not stated): gnomAD 0.00001; gnomAD exomes 0.00001; TOPMed 0.00001.
gnomAD v4.1: 19 of 1,614,000 alleles (0.0012%); highest among the groups gnomAD compares: Admixed American, 0.005%; no homozygotes.

Submission:

PreventionGenetics, part of Exact Sciences
Classification: Uncertain significance for CDON-related condition. Last evaluated: 2022-08-25. Review status: criteria provided, single submitter. Criteria: ACMG Guidelines, 2015. Collection method: clinical testing. Allele origin: germline.
Comment: The CDON c.3214G>A variant is predicted to result in the amino acid substitution p.Gly1072Arg. To our knowledge, this variant has not been reported in the literature or in a large population database, indicating this variant is rare. At this time, the clinical significance of this variant is uncertain due to the absence of conclusive functional and genetic evidence.